The following is an entry in ClinVar:

ClinVar aggregate classification (germline): Uncertain significance (1 of 4 stars; one submission).

Conditions:
Fanconi anemia (FA). Also called: Fanconi's anemia. Identifiers: Orphanet 84, MedGen C0015625, MeSH D005199, MONDO:0019391.

gnomAD v4.1: 2 of 1,614,248 alleles (0.00012%); highest among the groups gnomAD compares: Non-Finnish European, 0.00017%; no homozygotes.

Submission:

Labcorp Genetics (formerly Invitae), Labcorp
Classification: Uncertain significance for Fanconi anemia. Last evaluated: 2022-01-27. Review status: criteria provided, single submitter. Criteria: Invitae Variant Classification Sherloc (09022015). Collection method: clinical testing. Allele origin: germline.
Comment: In summary, the available evidence is currently insufficient to determine the role of this variant in disease. Therefore, it has been classified as a Variant of Uncertain Significance. Advanced modeling of protein sequence and biophysical properties (such as structural, functional, and spatial information, amino acid conservation, physicochemical variation, residue mobility, and thermodynamic stability) performed at Invitae indicates that this missense variant is expected to disrupt FANCA protein function. ClinVar contains an entry for this variant (Variation ID: 858143). This variant has not been reported in the literature in individuals affected with FANCA-related conditions. This variant is not present in population databases (gnomAD no frequency). This sequence change replaces leucine, which is neutral and non-polar, with valine, which is neutral and non-polar, at codon 910 of the FANCA protein (p.Leu910Val).

NM_000135.4(FANCA):c.2728C>G (p.Leu910Val)

Gene: FANCA (FA complementation group A; minus strand). Cytogenetic location: 16q24.3.
Variant type: single nucleotide variant.
Coding change: c.2728C>G on transcript NM_000135.4 (MANE Select); coding-DNA position 2728, C replaced by G.
Protein change: p.Leu910Val; replaces leucine 910 with valine.
Molecular consequence: missense variant.
Genome position (GRCh38, 1-based): chr16:89,764,940, G>C on the plus strand (C>G on the coding strand, the complement: FANCA is on the minus strand). VCF-style: chr16-89764940-G-C. GRCh37 (hg19) VCF-style: chr16-89831348-G-C.
Other names: c.2728C>G, p.Leu910Val (NM_001286167.3); short protein forms L910V.
Identifiers: ClinVar variation 858143 (VCV000858143.9), dbSNP rs1216426444, ClinGen allele CA397438142.
Genomic context (GRCh38, chr16:89,764,940, plus strand): 5'-GGTCACCTACGTGAACATCTTCCTCTTTCAACACCTCTCGGAAGGTTCTGTGTGTCCAGA[G>C]AGAGAGGGCAGCTCTCTGCCAGTCTGCAGAAGGAAGGTGCAAGGGTCTCCAGGAAAGGCT-3'
Protein context (NP_000126.2, residues 900-920): SADWQRAALS[Leu910Val]WTHRTFREVL